The following is an entry in ClinVar:

NM_001267550.2(TTN):c.16904_16905del

Genes: TTN (titin; minus strand), LOC126806431 (CDK7 strongly-dependent group 2 enhancer GRCh37_chr2:179595719-179596918; plus strand). Cytogenetic location: 2q31.2.
Variant type: Microsatellite.
Coding change: c.16904_16905del on transcript NM_001267550.2 (MANE Select); coding-DNA positions 16904 to 16905, 2 bases deleted (AG; older notation c.16904_16905delAG).
Molecular consequence: splice acceptor variant. On other transcripts: intron variant (3).
Genome position (GRCh38, 1-based): chr2:178,731,970-178,731,971, CT deleted on the plus strand (AG on the coding strand, the reverse complement: TTN is on the minus strand); deleting any 2 consecutive bases within chr2:178,731,970-178,731,973 gives the same sequence; the c. name uses the placement nearest the transcript's 3' end. VCF-style (leftmost placement, unchanged base first): chr2-178731969-ACT-A. GRCh37 (hg19) VCF-style: chr2-179596696-ACT-A.
Other names: c.13282+6111_13282+6112del (NM_003319.4); c.13858+6111_13858+6112del (NM_133437.4); c.13657+6111_13657+6112del (NM_133432.3).
Identifiers: ClinVar variation 5006159 (VCV005006159.2).
Genomic context (GRCh38, chr2:178,731,969, plus strand): 5'-ACATGACATCGTACTCCTTTAAGACTTCAATTGGCTTAAATTCCTTGGTAAAATAAGGTG[ACT>A]CTACAGTAAAAAAGGAATGATTTGCATTAAGGGAGGAGGGGTCTGTGCCATGGGCCATAA-3'

ClinVar aggregate classification (germline): Likely pathogenic (1 of 4 stars; one submission).

Conditions:
Hypertrophic cardiomyopathy 9. Also called: Familial hypertrophic cardiomyopathy 9. Identifiers: MedGen C1861065, MONDO:0013412, OMIM 613765.
Myopathy, myofibrillar, 9, with early respiratory failure (MFM9). Also called: Hereditary myopathy with early respiratory failure; EDSTROM MYOPATHY; MYOPATHY, PROXIMAL, WITH EARLY RESPIRATORY MUSCLE INVOLVEMENT; Myopathy, distal, with early respiratory failure, autosomal dominant. Identifiers: Orphanet 178464, Orphanet 34521, MedGen C1863599, MONDO:0011362, OMIM 603689.
Early-onset myopathy with fatal cardiomyopathy (CMYO5). Also called: CONGENITAL MYOPATHY 5 WITH CARDIOMYOPATHY; Salih Myopathy. Identifiers: Orphanet 289377, MedGen C2673677, MONDO:0012714, OMIM 611705. Disease mechanism: loss of function.
Autosomal recessive limb-girdle muscular dystrophy type 2J (LGMDR10). Also called: Limb-girdle muscular dystrophy, type 2J; MUSCULAR DYSTROPHY, LIMB-GIRDLE, AUTOSOMAL RECESSIVE 10. Identifiers: Orphanet 140922, MedGen C1837342, MONDO:0012127, OMIM 608807.
Dilated cardiomyopathy 1G (CMD1G). Identifiers: Orphanet 154, MedGen C1858763, MONDO:0011400, OMIM 604145.
Tibial muscular dystrophy (TMD). Also called: UDD MYOPATHY; Udd Distal Myopathy – Tibial Muscular Dystrophy; Tibial muscular dystrophy, tardive. Identifiers: Orphanet 609, MedGen C1838244, MONDO:0010870, OMIM 600334.

Submission:

Juno Genomics, Hangzhou Juno Genomics, Inc
Classification: Likely pathogenic for Early-onset myopathy with fatal cardiomyopathy; Dilated cardiomyopathy 1G; Hypertrophic cardiomyopathy 9; Autosomal recessive limb-girdle muscular dystrophy type 2J; Myopathy, myofibrillar, 9, with early respiratory failure; Tibial muscular dystrophy. Review status: criteria provided, single submitter. Criteria: ACMG Guidelines, 2015. Collection method: clinical testing. Allele origin: germline.
Comment: Null variant in a gene where loss of function (LOF) is a known mechanism of disease.;Absent from controls (or at extremely low frequency if recessive) in Genome Aggregation Database.